The following is an entry in ClinVar:

NM_001267550.2(TTN):c.101891G>A (p.Arg33964His)

Genes: TTN (titin; minus strand), TTN-AS1 (TTN antisense RNA 1; plus strand). Cytogenetic location: 2q31.2.
Variant type: single nucleotide variant.
Coding change: c.101891G>A on transcript NM_001267550.2 (MANE Select); coding-DNA position 101891, G replaced by A.
Protein change: p.Arg33964His; replaces arginine 33964 with histidine.
Molecular consequence: missense variant.
Genome position (GRCh38, 1-based): chr2:178,534,724, C>T on the plus strand (G>A on the coding strand, the complement: TTN is on the minus strand). VCF-style: chr2-178534724-C-T. GRCh37 (hg19) VCF-style: chr2-179399451-C-T.
Other names: p.R32323H:CGT>CAT; p.Arg32323His; c.96968G>A, p.Arg32323His (NM_001256850.1); c.74696G>A, p.Arg24899His (NM_003319.4); c.94187G>A, p.Arg31396His (NM_133378.4); c.75071G>A, p.Arg25024His (NM_133432.3); c.75272G>A, p.Arg25091His (NM_133437.4); short protein forms R33964H, R31396H, R32323H, R24899H, R25024H, R25091H.
Identifiers: ClinVar variation 47643 (VCV000047643.68), dbSNP rs55669553, ClinGen allele CA141574.

ClinVar aggregate classification (germline): Conflicting classifications of pathogenicity. Review status: criteria provided, conflicting classifications (1 of 4 stars). 26 submissions from 22 submitters: Uncertain significance (1); Benign (15); Likely benign (5). 5 of the submissions do not count toward it. Last evaluated 2026-09-01.

Conditions:
Cardiovascular phenotype. Identifiers: MedGen CN230736.
Dilated cardiomyopathy 1G (CMD1G). Identifiers: Orphanet 154, MedGen C1858763, MONDO:0011400, OMIM 604145.
Autosomal recessive limb-girdle muscular dystrophy type 2J (LGMDR10). Also called: MUSCULAR DYSTROPHY, LIMB-GIRDLE, AUTOSOMAL RECESSIVE 10; Limb-girdle muscular dystrophy, type 2J. Identifiers: Orphanet 140922, MedGen C1837342, MONDO:0012127, OMIM 608807.
Cardiomyopathy (CMYO). Also called: Cardiomyopathies. Identifiers: Orphanet 167848, MedGen C0878544, MONDO:0004994, HP:0001638. Inheritance: Various modes of inheritance.
Early-onset myopathy with fatal cardiomyopathy (CMYO5). Also called: CONGENITAL MYOPATHY 5 WITH CARDIOMYOPATHY; Salih Myopathy. Identifiers: Orphanet 289377, MedGen C2673677, MONDO:0012714, OMIM 611705. Disease mechanism: loss of function.
Myopathy, myofibrillar, 9, with early respiratory failure (MFM9). Also called: Myopathy, distal, with early respiratory failure, autosomal dominant; Hereditary myopathy with early respiratory failure; MYOPATHY, PROXIMAL, WITH EARLY RESPIRATORY MUSCLE INVOLVEMENT; EDSTROM MYOPATHY. Identifiers: Orphanet 178464, Orphanet 34521, MedGen C1863599, MONDO:0011362, OMIM 603689.
Tibial muscular dystrophy (TMD). Also called: Udd Distal Myopathy – Tibial Muscular Dystrophy; Tibial muscular dystrophy, tardive; UDD MYOPATHY. Identifiers: Orphanet 609, MedGen C1838244, MONDO:0010870, OMIM 600334.
Primary dilated cardiomyopathy (DCM). Also called: Dilated Cardiomyopathy. Identifiers: Orphanet 217604, MedGen C0007193, MeSH D002311, MONDO:0005021, HP:0001644. Inheritance: Various modes of inheritance.

Allele frequency attached by ClinVar (database versions not stated): ESP Exome Variant Server 0.00141; gnomAD 0.00181 and 0.00106; 1000 Genomes Project 30x 0.00593; 1000 Genomes Project 0.00599; gnomAD exomes 0.00377; TOPMed 0.00107; ExAC 0.00438.
gnomAD v4.1: 3,551 of 1,613,810 alleles (0.22%); highest among the groups gnomAD compares: South Asian, 2.2%; 53 homozygotes.

Submissions (26):

CeGaT Center for Human Genetics Tuebingen
Classification: Benign. Last evaluated: 2026-09-01. Review status: criteria provided, single submitter. Criteria: CeGaT Center For Human Genetics Tuebingen Variant Classification Criteria Version 2. Collection method: clinical testing. Allele origin: germline. Affected: yes. Observed: 19 variant alleles.
Comment: TTN: BP4, BS1, BS2

Labcorp Genetics (formerly Invitae), Labcorp
Classification: Benign for Dilated cardiomyopathy 1G; Autosomal recessive limb-girdle muscular dystrophy type 2J. Last evaluated: 2026-02-03. Review status: criteria provided, single submitter. Criteria: Invitae Variant Classification Sherloc (09022015). Collection method: clinical testing. Allele origin: germline.

ARUP Laboratories, Molecular Genetics and Genomics, ARUP Laboratories
Classification: Benign. Last evaluated: 2025-06-23. Review status: criteria provided, single submitter. Criteria: ARUP Molecular Germline Variant Investigation Process 2024. Collection method: clinical testing. Allele origin: germline.

Molecular Diagnostic Laboratory for Inherited Cardiovascular Disease, Montreal Heart Institute
Classification: Benign. Last evaluated: 2025-04-09. Review status: criteria provided, single submitter. Criteria: ACMG Guidelines, 2015. Collection method: clinical testing. Allele origin: germline. Affected: no.

Athena Diagnostics
Classification: Benign. Last evaluated: 2025-01-21. Review status: criteria provided, single submitter. Criteria: Athena Diagnostics Criteria. Collection method: clinical testing. Allele origin: unknown.
Comment: The frequency of this variant in the general population is higher than would generally be expected for pathogenic variants in this gene.

Mayo Clinic Laboratories, Mayo Clinic
Classification: Benign. Last evaluated: 2023-06-16. Review status: criteria provided, single submitter. Criteria: ACMG Guidelines, 2015. Collection method: clinical testing. Allele origin: germline. Observed: 8 variant alleles.
Comment: BS1, BS2

Women's Health and Genetics/Laboratory Corporation of America, LabCorp
Classification: Likely benign. Last evaluated: 2020-01-06. Review status: criteria provided, single submitter. Criteria: LabCorp Variant Classification Summary - May 2015. Collection method: clinical testing. Allele origin: germline.

CHEO Genetics Diagnostic Laboratory, Children's Hospital of Eastern Ontario
Classification: Benign for Cardiomyopathy. Last evaluated: 2019-05-28. Review status: criteria provided, single submitter. Criteria: ACMG Guidelines, 2015. Collection method: clinical testing. Allele origin: germline.

Illumina Laboratory Services, Illumina
Classification: Likely benign for Autosomal recessive limb-girdle muscular dystrophy type 2J. Last evaluated: 2018-01-12. Review status: criteria provided, single submitter. Criteria: ICSL Variant Classification Criteria 13 December 2019. Collection method: clinical testing. Allele origin: germline.
Comment: This variant was observed in the ICSL laboratory as part of a predisposition screen in an ostensibly healthy population. It had not been previously curated by ICSL or reported in the Human Gene Mutation Database (HGMD: prior to June 1st, 2018), and was therefore a candidate for classification through an automated scoring system. Utilizing variant allele frequency, disease prevalence and penetrance estimates, and inheritance mode, an automated score was calculated to assess if this variant is too frequent to cause the disease. Based on the score and internal cut-off values, a variant classified as likely benign is not then subjected to further curation. The score for this variant resulted in a classification of likely benign for this disease.

Illumina Laboratory Services, Illumina
Classification: Benign for Tibial muscular dystrophy. Last evaluated: 2018-01-12. Review status: criteria provided, single submitter. Criteria: ICSL Variant Classification Criteria 13 December 2019. Collection method: clinical testing. Allele origin: germline.
Comment: This variant was observed in the ICSL laboratory as part of a predisposition screen in an ostensibly healthy population. It had not been previously curated by ICSL or reported in the Human Gene Mutation Database (HGMD: prior to June 1st, 2018), and was therefore a candidate for classification through an automated scoring system. Utilizing variant allele frequency, disease prevalence and penetrance estimates, and inheritance mode, an automated score was calculated to assess if this variant is too frequent to cause the disease. Based on the score and internal cut-off values, a variant classified as benign is not then subjected to further curation. The score for this variant resulted in a classification of benign for this disease.

Illumina Laboratory Services, Illumina
Classification: Benign for Myopathy, myofibrillar, 9, with early respiratory failure. Last evaluated: 2018-01-12. Review status: criteria provided, single submitter. Criteria: ICSL Variant Classification Criteria 13 December 2019. Collection method: clinical testing. Allele origin: germline.
Comment: the same text as in the submission from Illumina Laboratory Services, Illumina above.

Illumina Laboratory Services, Illumina
Classification: Likely benign for Dilated cardiomyopathy 1G. Last evaluated: 2018-01-12. Review status: criteria provided, single submitter. Criteria: ICSL Variant Classification Criteria 13 December 2019. Collection method: clinical testing. Allele origin: germline.
Comment: the same text as in the submission from Illumina Laboratory Services, Illumina above.

Illumina Laboratory Services, Illumina
Classification: Likely benign for Early-onset myopathy with fatal cardiomyopathy. Last evaluated: 2018-01-12. Review status: criteria provided, single submitter. Criteria: ICSL Variant Classification Criteria 13 December 2019. Collection method: clinical testing. Allele origin: germline.
Comment: the same text as in the submission from Illumina Laboratory Services, Illumina above.

Center for Advanced Laboratory Medicine, UC San Diego Health, University of California San Diego
Classification: Benign for Dilated cardiomyopathy. Last evaluated: 2017-02-28. Review status: criteria provided, single submitter. Criteria: ACMG Guidelines, 2015. Collection method: clinical testing. Allele origin: germline. Affected: yes. Observed: 1 variant allele.

Ambry Genetics
Classification: Benign for Cardiovascular phenotype. Last evaluated: 2017-02-22. Review status: criteria provided, single submitter. Criteria: Ambry Variant Classification Scheme 2023. Collection method: clinical testing. Allele origin: germline.

GeneDx
Classification: Benign. Last evaluated: 2016-02-08. Review status: criteria provided, single submitter. Criteria: GeneDx Variant Classification (06012015). Collection method: clinical testing. Allele origin: germline. Affected: yes.
Comment: This variant is considered likely benign or benign based on one or more of the following criteria: it is a conservative change, it occurs at a poorly conserved position in the protein, it is predicted to be benign by multiple in silico algorithms, and/or has population frequency not consistent with disease.

Eurofins Ntd Llc (ga)
Classification: Benign. Last evaluated: 2015-09-03. Review status: criteria provided, single submitter. Criteria: EGL Classification Definitions 2015. Collection method: clinical testing. Allele origin: germline. Observed: 1 variant allele, 1 heterozygote.

Laboratory for Molecular Medicine, Mass General Brigham Personalized Medicine
Classification: Benign. Last evaluated: 2015-02-25. Review status: criteria provided, single submitter. Criteria: LMM Criteria. Collection method: clinical testing. Allele origin: germline. Observed: 14 variant alleles.
Comment: p.Arg31396His in exon 307 of TTN: This variant is not expected to have clinical significance because it has been identified in 2.4% (392/16504) of South Asian o f South Asian chromosomes by the Exome Aggregation Consortium (ExAC .; dbSNP rs55669553).

Genetic Services Laboratory, University of Chicago
Classification: Uncertain significance. Last evaluated: 2014-03-17. Review status: criteria provided, single submitter. Criteria: ACMG Guidelines, 2007. Collection method: clinical testing. Allele origin: germline.

Biesecker Lab/Clinical Genomics Section, National Institutes of Health
Classification: Likely benign. Last evaluated: 2013-06-24. Review status: criteria provided, single submitter. Criteria: Ng et al. (Circ Cardiovasc Genet. 2013). Collection method: research. Allele origin: unknown. Observed: 3 variant alleles. Study: ClinSeq.
Comment: The study set was not selected for affection status in relation to any cancer. Pathogenicity categories were based on literature curation. See Pubmed ID:23861362 for details.

Medical sequencing

PreventionGenetics, part of Exact Sciences
Classification: Benign. Review status: criteria provided, single submitter. Criteria: ACMG Guidelines, 2015. Collection method: clinical testing. Allele origin: germline.

Clinical Genetics DNA and cytogenetics Diagnostics Lab, Erasmus MC, Erasmus Medical Center
Classification: Benign. Review status: no assertion criteria provided. Collection method: clinical testing. Allele origin: germline. Affected: yes. Study: VKGL Data-share Consensus. Not counted in ClinVar's aggregate classification.

Clinical Genetics, Academic Medical Center
Classification: Benign. Review status: no assertion criteria provided. Collection method: clinical testing. Allele origin: germline. Affected: yes. Study: VKGL Data-share Consensus. Not counted in ClinVar's aggregate classification.

Diagnostic Laboratory, Department of Genetics, University Medical Center Groningen
Classification: Benign. Review status: no assertion criteria provided. Collection method: clinical testing. Allele origin: germline. Affected: yes. Study: VKGL Data-share Consensus. Not counted in ClinVar's aggregate classification.

Joint Genome Diagnostic Labs from Nijmegen and Maastricht, Radboudumc and MUMC+
Classification: Benign. Review status: no assertion criteria provided. Collection method: clinical testing. Allele origin: germline. Affected: yes. Study: VKGL Data-share Consensus. Not counted in ClinVar's aggregate classification.

Laboratory of Diagnostic Genome Analysis, Leiden University Medical Center (LUMC)
Classification: Likely benign. Review status: no assertion criteria provided. Collection method: clinical testing. Allele origin: germline. Affected: yes. Study: VKGL Data-share Consensus. Not counted in ClinVar's aggregate classification.

Literature cited by the submitters: PubMed 24503780 (cited by Athena Diagnostics); PubMed 23861362 (cited by Athena Diagnostics); PubMed 23396983 (cited by Athena Diagnostics).